The following is an entry in ClinVar:

ClinVar aggregate classification (germline): Uncertain significance (1 of 4 stars; one submission).

Conditions:
Brugada syndrome 8 (BRGDA8). Identifiers: Orphanet 130, MedGen C2751083, MONDO:0013148, OMIM 613123.

Submission:

Labcorp Genetics (formerly Invitae), Labcorp
Classification: Uncertain significance for Brugada syndrome 8. Last evaluated: 2025-10-14. Review status: criteria provided, single submitter. Criteria: Invitae Variant Classification Sherloc (09022015). Collection method: clinical testing. Allele origin: germline.
Comment: This sequence change replaces valine, which is neutral and non-polar, with phenylalanine, which is neutral and non-polar, at codon 492 of the HCN4 protein (p.Val492Phe). This variant is not present in population databases (gnomAD no frequency). This missense change has been observed in individual(s) with cardiac arrhythmia (PMID: 27553229). Invitae Evidence Modeling of protein sequence and biophysical properties (such as structural, functional, and spatial information, amino acid conservation, physicochemical variation, residue mobility, and thermodynamic stability) has been performed for this missense variant. However, the output from this modeling did not meet the statistical confidence thresholds required to predict the impact of this variant on HCN4 protein function. Experimental studies have shown that this missense change affects HCN4 function (PMID: 27553229). In summary, the available evidence is currently insufficient to determine the role of this variant in disease. Therefore, it has been classified as a Variant of Uncertain Significance.

Literature cited by the submitters: PubMed 27553229.

NM_005477.3(HCN4):c.1474G>T (p.Val492Phe)

Gene: HCN4 (hyperpolarization activated cyclic nucleotide gated potassium channel 4; minus strand). Cytogenetic location: 15q24.1.
Variant type: single nucleotide variant.
Coding change: c.1474G>T on transcript NM_005477.3 (MANE Select); coding-DNA position 1474, G replaced by T.
Protein change: p.Val492Phe; replaces valine 492 with phenylalanine.
Molecular consequence: missense variant.
Genome position (GRCh38, 1-based): chr15:73,329,689, C>A on the plus strand (G>T on the coding strand, the complement: HCN4 is on the minus strand). VCF-style: chr15-73329689-C-A. GRCh37 (hg19) VCF-style: chr15-73622030-C-A.
Other names: short protein forms V492F.
Identifiers: ClinVar variation 4710196 (VCV004710196.1).